The following is an entry in ClinVar:

NM_031935.3(HMCN1):c.4162C>T (p.Pro1388Ser)

Gene: HMCN1 (hemicentin 1; plus strand). Cytogenetic location: 1q31.1.
Variant type: single nucleotide variant.
Coding change: c.4162C>T on transcript NM_031935.3 (MANE Select); coding-DNA position 4162, C replaced by T.
Protein change: p.Pro1388Ser; replaces proline 1388 with serine.
Molecular consequence: missense variant.
Genome position (GRCh38, 1-based): chr1:186,001,390, C>T. VCF-style: chr1-186001390-C-T. GRCh37 (hg19) VCF-style: chr1-185970522-C-T.
Other names: short protein forms P1388S.
Identifiers: ClinVar variation 3611003 (VCV003611003.2).
Genomic context (GRCh38, chr1:186,001,390, plus strand): 5'-ACAAATGTGTCGGTGTTGTTAAATCAGCTGACCAATCTCTTCTGTGAAGTGGAAGGCACT[C>T]CATCTCCCATCATTATGTGGTATAAAGATAATGTCCAGGTAAATAGAGTCATCCAAATAC-3'
Protein context (NP_114141.2, residues 1378-1398): TNLFCEVEGT[Pro1388Ser]SPIIMWYKDN

ClinVar aggregate classification (germline): Uncertain significance (1 of 4 stars; one submission).

gnomAD v4.1: 4 of 1,612,036 alleles (0.00025%); highest among the groups gnomAD compares: African/African-American, 0.0053%; no homozygotes.

Submission:

Labcorp Genetics (formerly Invitae), Labcorp
Classification: Uncertain significance. Last evaluated: 2024-02-17. Review status: criteria provided, single submitter. Criteria: Invitae Variant Classification Sherloc (09022015). Collection method: clinical testing. Allele origin: germline.
Comment: This sequence change replaces proline, which is neutral and non-polar, with serine, which is neutral and polar, at codon 1388 of the HMCN1 protein (p.Pro1388Ser). The frequency data for this variant in the population databases is considered unreliable, as metrics indicate poor data quality at this position in the gnomAD database. This variant has not been reported in the literature in individuals affected with HMCN1-related conditions. An algorithm developed to predict the effect of missense changes on protein structure and function (PolyPhen-2) suggests that this variant is likely to be disruptive. In summary, the available evidence is currently insufficient to determine the role of this variant in disease. Therefore, it has been classified as a Variant of Uncertain Significance.